The following is an entry in ClinVar:

ClinVar aggregate classification (germline): Uncertain significance (1 of 4 stars; one submission).

Conditions:
Hereditary cancer-predisposing syndrome. Also called: Tumor predisposition; Neoplastic Syndromes, Hereditary; Hereditary neoplastic syndrome; Hereditary Cancer Syndrome. Identifiers: Orphanet 140162, MedGen C0027672, MeSH D009386, MONDO:0015356.

Submission:

Ambry Genetics
Classification: Uncertain significance for Hereditary cancer-predisposing syndrome. Last evaluated: 2025-08-11. Review status: criteria provided, single submitter. Criteria: Ambry Variant Classification Scheme 2023. Collection method: clinical testing. Allele origin: germline.
Comment: The p.E34* variant (also known as c.100G>T), located in coding exon 1 of the MET gene, results from a G to T substitution at nucleotide position 100. This changes the amino acid from a glutamic acid to a stop codon within coding exon 1. This alteration is expected to result in protein truncation or nonsense-mediated mRNA decay. However, loss of function of MET has not been established as a mechanism of disease. Based on the available evidence, the clinical significance of this alteration remains unclear.

NM_000245.4(MET):c.100G>T (p.Glu34Ter)

Gene: MET (MET proto-oncogene, receptor tyrosine kinase; plus strand). Cytogenetic location: 7q31.2.
Variant type: single nucleotide variant.
Coding change: c.100G>T on transcript NM_000245.4 (MANE Select); coding-DNA position 100, G replaced by T.
Protein change: p.Glu34Ter; replaces glutamic acid 34 with a stop codon.
Molecular consequence: nonsense. On other transcripts: intron variant (1).
Genome position (GRCh38, 1-based): chr7:116,699,184, G>T. VCF-style: chr7-116699184-G-T. GRCh37 (hg19) VCF-style: chr7-116339238-G-T.
Other names: c.100G>T, p.Glu34Ter (NM_001127500.3, NM_001324401.3); c.-91+26607G>T (NM_001324402.2); short protein forms E34*.
Identifiers: ClinVar variation 4106776 (VCV004106776.1).